The following is an entry in ClinVar:

NM_052853.4(ADCK2):c.1866A>T (p.Pro622=)

Gene: ADCK2 (aarF domain containing kinase 2; plus strand). Cytogenetic location: 7q34.
Variant type: single nucleotide variant.
Coding change: c.1866A>T on transcript NM_052853.4 (MANE Select); coding-DNA position 1866, A replaced by T.
Protein change: p.Pro622=; no amino-acid change (proline 622 retained).
Molecular consequence: synonymous variant.
Genome position (GRCh38, 1-based): chr7:140,694,788, A>T. VCF-style: chr7-140694788-A-T. GRCh37 (hg19) VCF-style: chr7-140394588-A-T.
Identifiers: ClinVar variation 3053428 (VCV003053428.2), dbSNP rs191492791, ClinGen allele CA4516260.

ClinVar aggregate classification (germline): Likely benign (0 of 4 stars; one submission).

Conditions:
ADCK2-related disorder. Also called: ADCK2-related condition.

Allele frequency attached by ClinVar (database versions not stated): gnomAD exomes 0.00015; gnomAD 0.00031; ExAC 0.00038; TOPMed 0.00053; 1000 Genomes Project 0.00100; 1000 Genomes Project 30x 0.00125.
gnomAD v4.1: 263 of 1,613,254 alleles (0.016%); highest among the groups gnomAD compares: Admixed American, 0.4%; 4 homozygotes.

Submission:

PreventionGenetics, part of Exact Sciences
Classification: Likely benign for ADCK2-related condition. Last evaluated: 2022-11-11. Review status: no assertion criteria provided. Collection method: clinical testing. Allele origin: germline.
Comment: This variant is classified as likely benign based on ACMG/AMP sequence variant interpretation guidelines (Richards et al. 2015 PMID: 25741868, with internal and published modifications).